The following is an entry in ClinVar:

NM_013275.6(ANKRD11):c.5491G>A (p.Asp1831Asn)

Gene: ANKRD11 (ankyrin repeat domain 11; minus strand). Cytogenetic location: 16q24.3.
Variant type: single nucleotide variant.
Coding change: c.5491G>A on transcript NM_013275.6 (MANE Select); coding-DNA position 5491, G replaced by A.
Protein change: p.Asp1831Asn; replaces aspartic acid 1831 with asparagine.
Molecular consequence: missense variant.
Genome position (GRCh38, 1-based): chr16:89,281,051, C>T on the plus strand (G>A on the coding strand, the complement: ANKRD11 is on the minus strand). VCF-style: chr16-89281051-C-T. GRCh37 (hg19) VCF-style: chr16-89347459-C-T.
Other names: c.5491G>A, p.Asp1831Asn (NM_001256182.2, NM_001256183.2); short protein forms D1831N.
Identifiers: ClinVar variation 3373302 (VCV003373302.2).

ClinVar aggregate classification (germline): Uncertain significance. Review status: criteria provided, multiple submitters, no conflicts (2 of 4 stars). 2 submissions from 2 submitters: Uncertain significance (2). Last evaluated 2025-11-19.

Conditions:
KBG syndrome (KBGS). Also called: ANKRD11-Related KBG Syndrome. Identifiers: Orphanet 2332, MedGen C0220687, MONDO:0007846, OMIM 148050.

Submissions (2):

Labcorp Genetics (formerly Invitae), Labcorp
Classification: Uncertain significance for KBG syndrome. Last evaluated: 2025-11-19. Review status: criteria provided, single submitter. Criteria: Invitae Variant Classification Sherloc (09022015). Collection method: clinical testing. Allele origin: germline.
Comment: This sequence change replaces aspartic acid, which is acidic and polar, with asparagine, which is neutral and polar, at codon 1831 of the ANKRD11 protein (p.Asp1831Asn). This variant is not present in population databases (gnomAD no frequency). This variant has not been reported in the literature in individuals affected with ANKRD11-related conditions. ClinVar contains an entry for this variant (Variation ID: 3373302). Invitae Evidence Modeling of protein sequence and biophysical properties (such as structural, functional, and spatial information, amino acid conservation, physicochemical variation, residue mobility, and thermodynamic stability) indicates that this missense variant is not expected to disrupt ANKRD11 protein function with a negative predictive value of 95%. In summary, the available evidence is currently insufficient to determine the role of this variant in disease. Therefore, it has been classified as a Variant of Uncertain Significance.

GeneDx
Classification: Uncertain significance. Last evaluated: 2024-05-02. Review status: criteria provided, single submitter. Criteria: GeneDx Variant Classification Process June 2021. Collection method: clinical testing. Allele origin: germline. Affected: yes.
Comment: Not observed at significant frequency in large population cohorts (gnomAD); In silico analysis indicates that this missense variant does not alter protein structure/function; Has not been previously published as pathogenic or benign to our knowledge